The following is an entry in ClinVar:

ClinVar aggregate classification (germline): Uncertain significance (1 of 4 stars; one submission).

Conditions:
Inborn genetic diseases. Identifiers: MedGen C0950123, MeSH D030342.

gnomAD v4.1: 3 of 1,613,926 alleles (0.00019%); highest among the groups gnomAD compares: Non-Finnish European, 0.00025%; no homozygotes.

Submission:

Ambry Genetics
Classification: Uncertain significance for Inborn genetic diseases. Last evaluated: 2026-07-03. Review status: criteria provided, single submitter. Criteria: Ambry Variant Classification Scheme 2023. Collection method: clinical testing. Allele origin: germline.
Comment: The c.1988A>G (p.E663G) alteration is located in exon 22 (coding exon 20) of the RPH3A gene. This alteration results from a A to G substitution at nucleotide position 1988, causing the glutamic acid (E) at amino acid position 663 to be replaced by a glycine (G). Based on data from gnomAD, the G allele has an overall frequency of <0.001% (0/251364) total alleles studied. The highest observed frequency was <0.001% (/) of alleles. Based on insufficient or conflicting evidence, the clinical significance of this alteration remains unclear.

NM_001143854.2(RPH3A):c.1988A>G (p.Glu663Gly)

Gene: RPH3A (rabphilin 3A; plus strand). Cytogenetic location: 12q24.13.
Variant type: single nucleotide variant.
Coding change: c.1988A>G on transcript NM_001143854.2 (MANE Select); coding-DNA position 1988, A replaced by G.
Protein change: p.Glu663Gly; replaces glutamic acid 663 with glycine.
Molecular consequence: missense variant. On other transcripts: non-coding transcript variant (2).
Genome position (GRCh38, 1-based): chr12:112,896,683, A>G. VCF-style: chr12-112896683-A-G. GRCh37 (hg19) VCF-style: chr12-113334488-A-G.
Other names: c.1988A>G, p.Glu663Gly (NM_001347952.2, NM_001347953.1, NM_001347954.2); c.1787A>G, p.Glu596Gly (NM_001347955.2); c.1976A>G, p.Glu659Gly (NM_014954.4); short protein forms E659G, E596G, E663G.
Identifiers: ClinVar variation 5028409 (VCV005028409.1).
Genomic context (GRCh38, chr12:112,896,683, plus strand): 5'-GCTCCTATCTTCCCATTTATCCTCCAGGAGGCTGCCAGCTGGGGATCTCTGCCAAGGGAG[A>G]GCGCTTAAAACACTGGTACGAGTGTCTGAAAAATAAAGACAAGAAGATAGAGCGCTGGCA-3'
Protein context (NP_001137326.1, residues 653-673): GCQLGISAKG[Glu663Gly]RLKHWYECLK